The following is an entry in ClinVar:

NM_024422.6(DSC2):c.1336G>A (p.Glu446Lys)

Gene: DSC2 (desmocollin 2; minus strand). Cytogenetic location: 18q12.1.
Variant type: single nucleotide variant.
Coding change: c.1336G>A on transcript NM_024422.6 (MANE Select); coding-DNA position 1336, G replaced by A.
Protein change: p.Glu446Lys; replaces glutamic acid 446 with lysine.
Molecular consequence: missense variant.
Genome position (GRCh38, 1-based): chr18:31,080,280, C>T on the plus strand (G>A on the coding strand, the complement: DSC2 is on the minus strand). VCF-style: chr18-31080280-C-T. GRCh37 (hg19) VCF-style: chr18-28660246-C-T.
Other names: c.907G>A, p.Glu303Lys (NM_001406506.1, NM_001406507.1); c.1336G>A, p.Glu446Lys (NM_004949.5); short protein forms E303K, E446K.
Identifiers: ClinVar variation 3273789 (VCV003273789.1).

ClinVar aggregate classification (germline): Uncertain significance (1 of 4 stars; one submission).

Conditions:
Cardiovascular phenotype. Identifiers: MedGen CN230736.

Submission:

Ambry Genetics
Classification: Uncertain significance for Cardiovascular phenotype. Last evaluated: 2024-05-19. Review status: criteria provided, single submitter. Criteria: Ambry Variant Classification Scheme 2023. Collection method: clinical testing. Allele origin: germline.
Comment: The p.E446K variant (also known as c.1336G>A), located in coding exon 10 of the DSC2 gene, results from a G to A substitution at nucleotide position 1336. The glutamic acid at codon 446 is replaced by lysine, an amino acid with similar properties. This amino acid position is conserved. In addition, this alteration is predicted to be tolerated by in silico analysis. Based on the available evidence, the clinical significance of this variant remains unclear.